The following is an entry in ClinVar:

ClinVar aggregate classification (germline): Conflicting classifications of pathogenicity. Review status: criteria provided, conflicting classifications (1 of 4 stars). 2 submissions from 2 submitters: Uncertain significance (1); Benign (1). Last evaluated 2025-04-23.

Allele frequency attached by ClinVar (database versions not stated): gnomAD exomes below 0.00001.
gnomAD v4.1: 2 of 1,593,196 alleles (0.00013%); highest among the groups gnomAD compares: Non-Finnish European, 0.000086%; no homozygotes.

Submissions (2):

Women's Health and Genetics/Laboratory Corporation of America, LabCorp
Classification: Uncertain significance. Last evaluated: 2025-04-23. Review status: criteria provided, single submitter. Criteria: LabCorp Variant Classification Summary - May 2015. Collection method: clinical testing. Allele origin: germline.
Comment: Variant summary: BCL11B c.118G>A (p.Glu40Lys) results in a conservative amino acid change in the encoded protein sequence. Four of five in-silico tools predict a benign effect of the variant on protein function. The variant was absent in 237216 control chromosomes. The available data on variant occurrences in the general population are insufficient to allow any conclusion about variant significance. To our knowledge, no occurrence of c.118G>A in individuals affected with BCL11B-Related Disorders and no experimental evidence demonstrating its impact on protein function have been reported. ClinVar contains an entry for this variant (Variation ID: 1719705). Based on the evidence outlined above, the variant was classified as uncertain significance.

Labcorp Genetics (formerly Invitae), Labcorp
Classification: Benign. Last evaluated: 2024-10-24. Review status: criteria provided, single submitter. Criteria: Invitae Variant Classification Sherloc (09022015). Collection method: clinical testing. Allele origin: germline.

NM_138576.4(BCL11B):c.118G>A (p.Glu40Lys)

Gene: BCL11B (BCL11 transcription factor B; minus strand). Cytogenetic location: 14q32.2.
Variant type: single nucleotide variant.
Coding change: c.118G>A on transcript NM_138576.4 (MANE Select); coding-DNA position 118, G replaced by A.
Protein change: p.Glu40Lys; replaces glutamic acid 40 with lysine.
Molecular consequence: missense variant.
Genome position (GRCh38, 1-based): chr14:99,257,780, C>T on the plus strand (G>A on the coding strand, the complement: BCL11B is on the minus strand). VCF-style: chr14-99257780-C-T. GRCh37 (hg19) VCF-style: chr14-99724117-C-T.
Other names: c.115G>A, p.Glu39Lys (NM_001282237.2, NM_001282238.2); c.118G>A, p.Glu40Lys (NM_022898.3); short protein forms E39K, E40K.
Identifiers: ClinVar variation 1719705 (VCV001719705.7), dbSNP rs2503927998, ClinGen allele CA390939774.